The following is an entry in ClinVar:

NM_001009944.3(PKD1):c.226C>T (p.His76Tyr)

Gene: PKD1 (polycystin 1, transient receptor potential channel interacting; minus strand). Cytogenetic location: 16p13.3.
Variant type: single nucleotide variant.
Coding change: c.226C>T on transcript NM_001009944.3 (MANE Select); coding-DNA position 226, C replaced by T.
Protein change: p.His76Tyr; replaces histidine 76 with tyrosine.
Molecular consequence: missense variant.
Genome position (GRCh38, 1-based): chr16:2,119,368, G>A on the plus strand (C>T on the coding strand, the complement: PKD1 is on the minus strand). VCF-style: chr16-2119368-G-A. GRCh37 (hg19) VCF-style: chr16-2169369-G-A.
Other names: c.226C>T, p.His76Tyr (NM_000296.4); short protein forms H76Y.
Identifiers: ClinVar variation 523385 (VCV000523385.6), dbSNP rs932577597, ClinGen allele CA276784281.

ClinVar aggregate classification (germline): Uncertain significance. Review status: criteria provided, multiple submitters, no conflicts (2 of 4 stars). 4 submissions from 4 submitters: Uncertain significance (4). Last evaluated 2026-03-02.

Conditions:
PKD1-related disorder. Also called: PKD1-related condition.
Polycystic kidney disease. Also called: Polycystic kidney dysplasia; Kidney, Polycystic. Identifiers: MedGen C0022680, MeSH D007690, MONDO:0020642, HP:0000113.
Atrial septal defect, ostium secundum type. Also called: Secundum atrial septal defect; ASD II. Identifiers: Orphanet 99103, MedGen C0344724, MONDO:0020434, HP:0001684.
Hyperechogenic kidneys. Also called: echogenic kidneys. Identifiers: MedGen C3275899, HP:0004719.
Missing ribs. Identifiers: MedGen C0426816, HP:0000921.
Dry skin. Identifiers: MedGen C0151908, HP:0000958.
Seizure. Also called: Seizures. Identifiers: MedGen C0036572, HP:0001250.
Overlapping fingers. Identifiers: MedGen C1446712, HP:0010557.
Periventricular heterotopia. Identifiers: MedGen C5399973, HP:0007165.
Hemivertebrae. Identifiers: MedGen C0265677, HP:0002937.
Abnormal cortical gyration. Identifiers: MedGen C1856019, HP:0002536.
Abnormal nail morphology. Also called: Abnormality of the nail. Identifiers: MedGen C0853087, HP:0001597.
Plantar crease between first and second toes. Identifiers: MedGen C1867132, HP:0008107.
Polycystic kidney disease, adult type (PKD1). Also called: Polycystic Kidney Disease 1, Autosomal Dominant; Polycystic kidney disease 1; Polycystic kidney disease 1, severe; POLYCYSTIC KIDNEY DISEASE, ADULT, TYPE I; Polycystic Kidney, Autosomal Dominant; POLYCYSTIC KIDNEY DISEASE 1 WITH OR WITHOUT POLYCYSTIC LIVER DISEASE. Identifiers: MedGen C3149841, MONDO:0008263, OMIM 173900.

Allele frequency attached by ClinVar (database versions not stated): gnomAD exomes 0.00001; TOPMed 0.00002; gnomAD 0.00003.

Submissions (4):

Women's Health and Genetics/Laboratory Corporation of America, LabCorp
Classification: Uncertain significance. Last evaluated: 2026-03-02. Review status: criteria provided, single submitter. Criteria: LabCorp Variant Classification Summary - May 2015. Collection method: clinical testing. Allele origin: germline.
Comment: Variant summary: PKD1 c.226C>T (p.His76Tyr) results in a conservative amino acid change in the encoded protein sequence. Algorithms developed to predict the effect of missense changes on protein structure and function all suggest that this variant is likely to be tolerated. The variant allele was found at a frequency of 1.5e-05 in 136474 control chromosomes. The available data on variant occurrences in the general population are insufficient to allow any conclusion about variant significance. To our knowledge, no occurrence of c.226C>T in individuals affected with PKD1-related conditions and no experimental evidence demonstrating its impact on protein function have been reported. ClinVar contains an entry for this variant (Variation ID: 523385). Based on the evidence outlined above, the variant was classified as uncertain significance.

PreventionGenetics, part of Exact Sciences
Classification: Uncertain significance for PKD1-related condition. Last evaluated: 2025-08-28. Review status: criteria provided, single submitter. Criteria: ACMG Guidelines, 2015. Collection method: clinical testing. Allele origin: germline.
Comment: The PKD1 c.226C>T variant is predicted to result in the amino acid substitution p.His76Tyr. To our knowledge, this variant has not been reported in the literature. This variant is reported in 0.0037% of alleles in individuals of European (non-Finnish) descent in gnomAD. At this time, the clinical significance of this variant is uncertain due to the absence of conclusive functional and genetic evidence.

Fulgent Genetics
Classification: Uncertain significance for Polycystic kidney disease, adult type. Last evaluated: 2022-02-01. Review status: criteria provided, single submitter. Criteria: ACMG Guidelines, 2015. Collection method: clinical testing. Allele origin: unknown.

Centre for Mendelian Genomics, University Medical Centre Ljubljana
Classification: Uncertain significance for Abnormal cortical gyration; Abnormal nail morphology; Dry skin; Hemivertebrae; Hyperechogenic kidneys; Missing ribs; Overlapping fingers; Periventricular heterotopia; Plantar crease between first and second toes; Polycystic kidney disease; Atrial septal defect, ostium secundum type; Seizure. Last evaluated: 2017-01-01. Review status: criteria provided, single submitter. Criteria: ACMG Guidelines, 2015. Collection method: clinical testing. Allele origin: unknown. Affected: yes.